The following is an entry in ClinVar:

NM_002838.5(PTPRC):c.1000_1002dup (p.Asp334dup)

Gene: PTPRC (protein tyrosine phosphatase receptor type C; plus strand). Cytogenetic location: 1q32.1.
Variant type: Duplication.
Coding change: c.1000_1002dup on transcript NM_002838.5 (MANE Select); coding-DNA positions 1000 to 1002, 3 bases duplicated (GAT; older notation c.1000_1002dupGAT).
Protein change: p.Asp334dup; duplicates aspartic acid 334.
Molecular consequence: inframe insertion.
Genome position (GRCh38, 1-based): chr1:198,708,228-198,708,230, GAT duplicated; duplicating any 3 consecutive bases within chr1:198,708,227-198,708,230 gives the same sequence; the c. name uses the placement nearest the transcript's 3' end. VCF-style (leftmost placement, unchanged base first): chr1-198708226-G-GTGA. GRCh37 (hg19) VCF-style: chr1-198677355-G-GTGA.
Other names: c.517_519dup, p.Asp173dup (NM_080921.4).
Identifiers: ClinVar variation 1397669 (VCV001397669.8), dbSNP rs758791233, ClinGen allele CA1314661.

ClinVar aggregate classification (germline): Uncertain significance (1 of 4 stars; one submission).

Conditions:
Immunodeficiency 104. Also called: SCID, AUTOSOMAL RECESSIVE, T CELL-NEGATIVE, B CELL-POSITIVE, NK CELL-POSITIVE; Severe combined immunodeficiency, autosomal recessive, T cell-negative, B cell-positive, NK cell-positive; IMMUNODEFICIENCY 104, SEVERE COMBINED; Severe Combined Immune Deficiency, Autosomal Recessive, TCell -Negative, B Cell-Positive, NK Cell-Positive, IL7R-Related. Identifiers: MedGen C5676890, MONDO:0012163, OMIM 608971.

Submission:

Labcorp Genetics (formerly Invitae), Labcorp
Classification: Uncertain significance for Immunodeficiency 104. Last evaluated: 2025-08-15. Review status: criteria provided, single submitter. Criteria: Invitae Variant Classification Sherloc (09022015). Collection method: clinical testing. Allele origin: germline.
Comment: This variant, c.1000_1002dup, results in the insertion of 1 amino acid(s) of the PTPRC protein (p.Asp334dup), but otherwise preserves the integrity of the reading frame. This variant is present in population databases (rs758791233, gnomAD 0.003%). This variant has not been reported in the literature in individuals affected with PTPRC-related conditions. ClinVar contains an entry for this variant (Variation ID: 1397669). Experimental studies and prediction algorithms are not available or were not evaluated, and the functional significance of this variant is currently unknown. In summary, the available evidence is currently insufficient to determine the role of this variant in disease. Therefore, it has been classified as a Variant of Uncertain Significance.